The following is an entry in ClinVar:

NM_005666.4(CFHR2):c.114A>G (p.Lys38=)

Gene: CFHR2 (complement factor H related 2; plus strand). Cytogenetic location: 1q31.3.
Variant type: single nucleotide variant.
Coding change: c.114A>G on transcript NM_005666.4 (MANE Select); coding-DNA position 114, A replaced by G.
Protein change: p.Lys38=; no amino-acid change (lysine 38 retained).
Molecular consequence: synonymous variant. On other transcripts: intron variant (2).
Genome position (GRCh38, 1-based): chr1:196,949,510, A>G. VCF-style: chr1-196949510-A-G. GRCh37 (hg19) VCF-style: chr1-196918640-A-G.
Other names: p.Lys38=; c.58+5572A>G (NM_001312672.1); c.59-1342A>G (NM_001410924.1).
Identifiers: ClinVar variation 2581640 (VCV002581640.2), dbSNP rs143480813, ClinGen allele CA1307317.
Genomic context (GRCh38, chr1:196,949,510, plus strand): 5'-CCCAGCAATGTTCTGTGATTTTCCAAAAATAAACCATGGAATTCTATATGATGAAGAAAA[A>G]TATAAGCCATTTTCCCAAGTTCCTACAGGGGAAGTTTTCTATTACTCCTGTGAATATAAT-3'
Protein context (NP_005657.1, residues 28-48): INHGILYDEE[Lys38=]YKPFSQVPTG

ClinVar aggregate classification (germline): Benign/Likely benign. Review status: criteria provided, multiple submitters, no conflicts (2 of 4 stars). 2 submissions from 2 submitters: Benign (1); Likely benign (1). Last evaluated 2024-05-02.

Allele frequency attached by ClinVar (database versions not stated): 1000 Genomes Project 0.00020; TOPMed 0.00094; ESP Exome Variant Server 0.00108; gnomAD 0.00073; gnomAD exomes 0.00006; ExAC 0.00037; 1000 Genomes Project 30x 0.00016.
gnomAD v4.1: 206 of 1,613,946 alleles (0.013%); highest among the groups gnomAD compares: African/African-American, 0.22%; no homozygotes.

Submissions (2):

Mayo Clinic Laboratories, Mayo Clinic
Classification: Likely benign. Last evaluated: 2024-05-02. Review status: criteria provided, single submitter. Criteria: ACMG Guidelines, 2015. Collection method: clinical testing. Allele origin: germline. Observed: 6 variant alleles.
Comment: BP4, BP7

Women's Health and Genetics/Laboratory Corporation of America, LabCorp
Classification: Benign. Last evaluated: 2023-08-10. Review status: criteria provided, single submitter. Criteria: LabCorp Variant Classification Summary - May 2015. Collection method: clinical testing. Allele origin: germline.